The following is an entry in ClinVar:

ClinVar aggregate classification (germline): Uncertain significance. Review status: criteria provided, multiple submitters, no conflicts (2 of 4 stars). 2 submissions from 2 submitters: Uncertain significance (2). Last evaluated 2023-02-20.

Allele frequency attached by ClinVar (database versions not stated): gnomAD exomes 0.00001; gnomAD 0.00009; TOPMed 0.00014.
gnomAD v4.1: 30 of 1,548,574 alleles (0.0019%); highest among the groups gnomAD compares: African/African-American, 0.036%; no homozygotes.

Submissions (2):

GeneDx
Classification: Uncertain significance. Last evaluated: 2023-02-20. Review status: criteria provided, single submitter. Criteria: GeneDx Variant Classification Process June 2021. Collection method: clinical testing. Allele origin: germline. Affected: yes.
Comment: In silico analysis supports that this missense variant has a deleterious effect on protein structure/function; Has not been previously published as pathogenic or benign to our knowledge

Ambry Genetics
Classification: Uncertain significance. Last evaluated: 2021-08-13. Review status: criteria provided, single submitter. Criteria: Ambry Variant Classification Scheme 2023. Collection method: clinical testing. Allele origin: germline.

NM_001367479.1(DNAH14):c.10685T>C (p.Ile3562Thr)

Gene: DNAH14 (dynein axonemal heavy chain 14; plus strand). Cytogenetic location: 1q42.12.
Variant type: single nucleotide variant.
Coding change: c.10685T>C on transcript NM_001367479.1 (MANE Select); coding-DNA position 10685, T replaced by C.
Protein change: p.Ile3562Thr; replaces isoleucine 3562 with threonine.
Molecular consequence: missense variant.
Genome position (GRCh38, 1-based): chr1:225,345,968, T>C. VCF-style: chr1-225345968-T-C. GRCh37 (hg19) VCF-style: chr1-225533670-T-C.
Other names: NM_001373.1:c.10406T>C; short protein forms I3562T.
Identifiers: ClinVar variation 2576911 (VCV002576911.2), dbSNP rs867293086, ClinGen allele CA38503477.